The following is an entry in ClinVar:

ClinVar aggregate classification (germline): Benign/Likely benign. Review status: criteria provided, multiple submitters, no conflicts (2 of 4 stars). 4 submissions from 3 submitters: Benign (3); Likely benign (1). Last evaluated 2026-01-17.

Conditions:
Developmental and epileptic encephalopathy, 14 (DEE14). Also called: Early infantile epileptic encephalopathy 14. Identifiers: Orphanet 293181, MedGen C3554195, MONDO:0013989, OMIM 614959.
Autosomal dominant nocturnal frontal lobe epilepsy 5. Also called: CILIARY DYSKINESIA, PRIMARY, 28, WITH SITUS INVERSUS; Epilepsy, nocturnal frontal lobe, 5; CILIARY DYSKINESIA, PRIMARY, 28, WITHOUT SITUS INVERSUS; KCNT1-Related Epilepsy. Identifiers: Orphanet 98784, MedGen C3554306, MONDO:0014002, OMIM 615005.

Allele frequency attached by ClinVar (database versions not stated): gnomAD 0.00007 and 0.00031; ESP Exome Variant Server 0.00008; TOPMed 0.00014; gnomAD exomes 0.00021; ExAC 0.00026; 1000 Genomes Project 30x 0.00109; 1000 Genomes Project 0.00140.
gnomAD v4.1: 811 of 1,610,266 alleles (0.05%); highest among the groups gnomAD compares: East Asian, 1.7%; 11 homozygotes.

Submissions (4):

Labcorp Genetics (formerly Invitae), Labcorp
Classification: Benign for Autosomal dominant nocturnal frontal lobe epilepsy 5; Developmental and epileptic encephalopathy, 14. Last evaluated: 2026-01-17. Review status: criteria provided, single submitter. Criteria: Invitae Variant Classification Sherloc (09022015). Collection method: clinical testing. Allele origin: germline.

Genome-Nilou Lab
Classification: Benign for Developmental and epileptic encephalopathy, 14. Last evaluated: 2022-03-15. Review status: criteria provided, single submitter. Criteria: ACMG Guidelines, 2015. Collection method: clinical testing. Allele origin: germline. Affected: no.

Genome-Nilou Lab
Classification: Benign for Autosomal dominant nocturnal frontal lobe epilepsy 5. Last evaluated: 2022-03-15. Review status: criteria provided, single submitter. Criteria: ACMG Guidelines, 2015. Collection method: clinical testing. Allele origin: germline. Affected: no.

GeneDx
Classification: Likely benign. Last evaluated: 2016-11-30. Review status: criteria provided, single submitter. Criteria: GeneDx Variant Classification (06012015). Collection method: clinical testing. Allele origin: germline. Affected: yes.
Comment: This variant is considered likely benign or benign based on one or more of the following criteria: it is a conservative change, it occurs at a poorly conserved position in the protein, it is predicted to be benign by multiple in silico algorithms, and/or has population frequency not consistent with disease.

NM_020822.3(KCNT1):c.335-16G>A

Gene: KCNT1 (potassium sodium-activated channel subfamily T member 1; plus strand). Cytogenetic location: 9q34.3.
Variant type: single nucleotide variant.
Coding change: c.335-16G>A on transcript NM_020822.3 (MANE Select); 16 bases into the intron before coding-DNA position 335, G replaced by A.
Molecular consequence: intron variant.
Genome position (GRCh38, 1-based): chr9:135,750,926, G>A. VCF-style: chr9-135750926-G-A. GRCh37 (hg19) VCF-style: chr9-138642772-G-A.
Other names: c.191-16G>A (NM_001272003.2).
Identifiers: ClinVar variation 391319 (VCV000391319.10), dbSNP rs151217665, ClinGen allele CA5326386.